The following is an entry in ClinVar:

NM_001114134.2(EPB42):c.1798_1801del (p.Gln600fs)

Gene: EPB42 (erythrocyte membrane protein band 4.2; minus strand). Cytogenetic location: 15q15.2.
Variant type: Deletion.
Coding change: c.1798_1801del on transcript NM_001114134.2 (MANE Select); coding-DNA positions 1798 to 1801, 4 bases deleted (CAGT; older notation c.1798_1801delCAGT).
Protein change: p.Gln600fs; shifts the reading frame from glutamine 600.
Molecular consequence: frameshift variant.
Genome position (GRCh38, 1-based): chr15:43,201,956-43,201,959, ACTG deleted on the plus strand (CAGT on the coding strand, the reverse complement: EPB42 is on the minus strand). VCF-style (leftmost placement, unchanged base first): chr15-43201955-TACTG-T. GRCh37 (hg19) VCF-style: chr15-43494153-TACTG-T.
Other names: c.1888_1891del, p.Gln630fs (NM_000119.3); short protein forms Q600fs, Q630fs.
Identifiers: ClinVar variation 4880749 (VCV004880749.2).
Genomic context (GRCh38, chr15:43,201,955, plus strand): 5'-CAGTCCTCCATGGGGGCATCTAGGGAGTTCTGGAGGCTGACTGAGGCTGTGAGGGGTTGA[TACTG>T]CTCTGCTTTCTCTGGCATCTGTGGGAAGAGGCAATACCTGGTGTGGATGCCAAGGGCACA-3'

ClinVar aggregate classification (germline): Likely pathogenic (1 of 4 stars; one submission).

Submission:

Dasa
Classification: Likely pathogenic. Last evaluated: 2026-03-30. Review status: criteria provided, single submitter. Criteria: DASA Assertion Criteria. Collection method: clinical testing. Allele origin: germline.
Comment: NM_001114134.2(EPB42):c.1798_1801del (p.Gln600Ilefs*14) is a frameshift variant in EPB42 predicted to alter the reading frame and introduce a premature termination codon and is predicted to result in an absent or altered protein product. Loss of function is an established disease mechanism for EPB42-associated disorders. Also, this variant is rare in population databases. Based on the currently available evidence, this variant is classified as likely pathogenic.